The following is an entry in ClinVar:

ClinVar aggregate classification (germline): Uncertain significance (1 of 4 stars; one submission).

Allele frequency attached by ClinVar (database versions not stated): TOPMed below 0.00001.
gnomAD v4.1: 2 of 1,613,306 alleles (0.00012%); highest among the groups gnomAD compares: Non-Finnish European, 0.00017%; no homozygotes.

Submission:

Labcorp Genetics (formerly Invitae), Labcorp
Classification: Uncertain significance. Last evaluated: 2023-10-16. Review status: criteria provided, single submitter. Criteria: Invitae Variant Classification Sherloc (09022015). Collection method: clinical testing. Allele origin: germline.
Comment: This sequence change replaces leucine, which is neutral and non-polar, with valine, which is neutral and non-polar, at codon 49 of the ROM1 protein (p.Leu49Val). This variant is not present in population databases (gnomAD no frequency). This variant has not been reported in the literature in individuals affected with ROM1-related conditions. Advanced modeling of protein sequence and biophysical properties (such as structural, functional, and spatial information, amino acid conservation, physicochemical variation, residue mobility, and thermodynamic stability) performed at Invitae indicates that this missense variant is not expected to disrupt ROM1 protein function. In summary, the available evidence is currently insufficient to determine the role of this variant in disease. Therefore, it has been classified as a Variant of Uncertain Significance.

NM_000327.4(ROM1):c.145C>G (p.Leu49Val)

Gene: ROM1 (retinal outer segment membrane protein 1; plus strand). Cytogenetic location: 11q12.3.
Variant type: single nucleotide variant.
Coding change: c.145C>G on transcript NM_000327.4 (MANE Select); coding-DNA position 145, C replaced by G.
Protein change: p.Leu49Val; replaces leucine 49 with valine.
Molecular consequence: missense variant.
Genome position (GRCh38, 1-based): chr11:62,613,426, C>G. VCF-style: chr11-62613426-C-G. GRCh37 (hg19) VCF-style: chr11-62380898-C-G.
Other names: short protein forms L49V.
Identifiers: ClinVar variation 2842553 (VCV002842553.3), dbSNP rs1942937951, ClinGen allele CA380968618.